The following is an entry in ClinVar:

ClinVar aggregate classification (germline): Likely benign (1 of 4 stars; one submission).

gnomAD v4.1: 7 of 1,549,580 alleles (0.00045%); highest among the groups gnomAD compares: Admixed American, 0.0039%; no homozygotes.

Submission:

CeGaT Center for Human Genetics Tuebingen
Classification: Likely benign. Last evaluated: 2026-07-01. Review status: criteria provided, single submitter. Criteria: CeGaT Center For Human Genetics Tuebingen Variant Classification Criteria Version 2. Collection method: clinical testing. Allele origin: germline. Affected: yes. Observed: 1 variant allele.
Comment: BORCS8: BP4, BP7

NM_001145784.2(BORCS8):c.216C>T (p.Ser72=)

Genes: BORCS8 (BLOC-1 related complex subunit 8; minus strand), BORCS8-MEF2B (BORCS8-MEF2B readthrough; minus strand). Cytogenetic location: 19p13.11.
Variant type: single nucleotide variant.
Coding change: c.216C>T on transcript NM_001145784.2 (MANE Select); coding-DNA position 216, C replaced by T.
Protein change: p.Ser72=; no amino-acid change (serine 72 retained).
Molecular consequence: synonymous variant. On other transcripts: 5 prime UTR variant (1), non-coding transcript variant (2).
Genome position (GRCh38, 1-based): chr19:19,182,683, G>A on the plus strand (C>T on the coding strand, the complement: BORCS8 is on the minus strand). VCF-style: chr19-19182683-G-A. GRCh37 (hg19) VCF-style: chr19-19293492-G-A.
Other names: c.-216C>T (NM_005919.4); c.216C>T, p.Ser72= (NM_001145783.2).
Identifiers: ClinVar variation 5038931 (VCV005038931.1).
Genomic context (GRCh38, chr19:19,182,683, plus strand): 5'-TTTGAGCAGACCCTCCACGCTGCGGAAGTAGACGCTGCTGTCCACCAGGTTCTTCACGGC[G>A]CTGAAACGGGAGGACAGGCCTGGTCAGCGCTCCGGACCTGCAGGTAACTGTCCCACACCC-3'
Protein context (NP_001139256.1, residues 62-82): GAIYTVEYAC[Ser72=]AVKNLVDSSV